The following is an entry in ClinVar:

NM_001018005.2(TPM1):c.639+22G>C

Gene: TPM1 (tropomyosin 1; plus strand). Cytogenetic location: 15q22.2.
Variant type: single nucleotide variant.
Coding change: c.639+22G>C on transcript NM_001018005.2 (MANE Select); 22 bases into the intron after coding-DNA position 639, G replaced by C.
Molecular consequence: intron variant.
Genome position (GRCh38, 1-based): chr15:63,061,810, G>C. VCF-style: chr15-63061810-G-C. GRCh37 (hg19) VCF-style: chr15-63354009-G-C.
Other names: c.765+22G>C (NM_001365778.1); c.640-405G>C (NM_001018020.2, NM_001018006.2, NM_000366.6); c.639+22G>C (NM_001018007.2, NM_001365776.1, NM_001018004.2 and 3 more transcripts); c.532-405G>C (NM_001330351.2, NM_001330344.2, NM_001365781.2); c.531+22G>C (NM_001018008.2, NM_001301289.2, NM_001365782.1 and 2 more transcripts).
Identifiers: ClinVar variation 188702 (VCV000188702.4), dbSNP rs28730802, ClinGen allele CA019230.

ClinVar aggregate classification (germline): Likely benign. Review status: criteria provided, multiple submitters, no conflicts (2 of 4 stars). 4 submissions from 4 submitters: Likely benign (2). 2 of the submissions do not count toward it. Last evaluated 2018-06-16.

Allele frequency attached by ClinVar (database versions not stated): gnomAD 0.00782 and 0.00833; 1000 Genomes Project 30x 0.00843; ExAC 0.01276; TOPMed 0.00798; 1000 Genomes Project 0.00899; ESP Exome Variant Server 0.01030.
gnomAD v4.1: 20,320 of 1,610,784 alleles (1.3%); highest among the groups gnomAD compares: South Asian, 2.7%; 219 homozygotes.

Submissions (4):

GeneDx
Classification: Likely benign. Last evaluated: 2018-06-16. Review status: criteria provided, single submitter. Criteria: GeneDx Variant Classification (06012015). Collection method: clinical testing. Allele origin: germline. Affected: yes.
Comment: This variant is considered likely benign or benign based on one or more of the following criteria: it is a conservative change, it occurs at a poorly conserved position in the protein, it is predicted to be benign by multiple in silico algorithms, and/or has population frequency not consistent with disease.

Breakthrough Genomics
Classification: Likely benign. Review status: criteria provided, single submitter. Criteria: ACMG Guidelines, 2015. Collection method: not provided. Allele origin: germline. Inheritance: Autosomal dominant inheritance. Affected: yes.

Clinical Genetics DNA and cytogenetics Diagnostics Lab, Erasmus MC, Erasmus Medical Center
Classification: Benign. Review status: no assertion criteria provided. Collection method: clinical testing. Allele origin: germline. Affected: yes. Study: VKGL Data-share Consensus. Not counted in ClinVar's aggregate classification.

Genome Diagnostics Laboratory, University Medical Center Utrecht
Classification: Benign. Review status: no assertion criteria provided. Collection method: clinical testing. Allele origin: germline. Affected: yes. Study: VKGL Data-share Consensus. Not counted in ClinVar's aggregate classification.